The following is an entry in ClinVar:

NM_001148.6(ANK2):c.10090C>G (p.Leu3364Val)

Gene: ANK2 (ankyrin 2; plus strand). Cytogenetic location: 4q26.
Variant type: single nucleotide variant.
Coding change: c.10090C>G on transcript NM_001148.6 (MANE Select); coding-DNA position 10090, C replaced by G.
Protein change: p.Leu3364Val; replaces leucine 3364 with valine.
Molecular consequence: missense variant. On other transcripts: intron variant (68).
Genome position (GRCh38, 1-based): chr4:113,358,708, C>G. VCF-style: chr4-113358708-C-G. GRCh37 (hg19) VCF-style: chr4-114279864-C-G.
Other names: c.4241-2115C>G (NM_001354276.2, NM_001354267.2, NM_001386162.1 and 2 more transcripts); c.4208-2115C>G (NM_001386146.1, NM_001386150.1, NM_001386149.1 and 1 more transcripts); c.4424-2115C>G (NM_001354246.2, NM_001354265.2, NM_001354235.2); c.4325-2115C>G (NM_001354236.2); c.4463-2115C>G (NM_001354232.2); c.4328-2115C>G (NM_001354228.2, NM_001354258.2); c.4265-2115C>G (NM_001354245.2, NM_001354262.2, NM_001354275.2); c.4229-2115C>G (NM_001354268.2); and 35 more; short protein forms L2164V, L3364V, L3411V, L3286V, L3403V.
Identifiers: ClinVar variation 2118375 (VCV002118375.6), dbSNP rs2095988154, ClinGen allele CA357939661.

ClinVar aggregate classification (germline): Uncertain significance. Review status: criteria provided, multiple submitters, no conflicts (2 of 4 stars). 2 submissions from 2 submitters: Uncertain significance (2). Last evaluated 2025-11-10.

Conditions:
Cardiovascular phenotype. Identifiers: MedGen CN230736.
Long QT syndrome (LQTS). Identifiers: MedGen C0023976, MeSH D008133, MONDO:0002442. Disease mechanism: loss of function. Inheritance: Various modes of inheritance.

Allele frequency attached by ClinVar (database versions not stated): gnomAD exomes 0.00001.
gnomAD v4.1: 6 of 1,614,082 alleles (0.00037%); highest among the groups gnomAD compares: East Asian, 0.013%; no homozygotes.

Submissions (2):

Ambry Genetics
Classification: Uncertain significance for Cardiovascular phenotype. Last evaluated: 2025-11-10. Review status: criteria provided, single submitter. Criteria: Ambry Variant Classification Scheme 2023. Collection method: clinical testing. Allele origin: germline.
Comment: The p.L3364V variant (also known as c.10090C>G), located in coding exon 38 of the ANK2 gene, results from a C to G substitution at nucleotide position 10090. The leucine at codon 3364 is replaced by valine, an amino acid with highly similar properties. This amino acid position is conserved. In addition, this alteration is predicted to be tolerated by in silico analysis. Based on the available evidence, the clinical significance of this variant remains unclear.

Labcorp Genetics (formerly Invitae), Labcorp
Classification: Uncertain significance for Long QT syndrome. Last evaluated: 2022-03-27. Review status: criteria provided, single submitter. Criteria: Invitae Variant Classification Sherloc (09022015). Collection method: clinical testing. Allele origin: germline.
Comment: In summary, the available evidence is currently insufficient to determine the role of this variant in disease. Therefore, it has been classified as a Variant of Uncertain Significance. Algorithms developed to predict the effect of missense changes on protein structure and function output the following: SIFT: "Tolerated"; PolyPhen-2: "Benign"; Align-GVGD: "Class C0". The valine amino acid residue is found in multiple mammalian species, which suggests that this missense change does not adversely affect protein function. This variant has not been reported in the literature in individuals affected with ANK2-related conditions. This variant is not present in population databases (gnomAD no frequency). This sequence change replaces leucine, which is neutral and non-polar, with valine, which is neutral and non-polar, at codon 3364 of the ANK2 protein (p.Leu3364Val).